The following is an entry in ClinVar:

ClinVar aggregate classification (germline): Uncertain significance (1 of 4 stars; one submission).

Conditions:
Neurodevelopmental disorder with microcephaly, cerebral atrophy, and visual impairment (NEDMVIC). Identifiers: MedGen C5774225, MONDO:0859293, OMIM 620066.

Allele frequency attached by ClinVar (database versions not stated): gnomAD exomes below 0.00001; TOPMed below 0.00001; gnomAD 0.00001; ExAC 0.00002; ESP Exome Variant Server 0.00008.
gnomAD v4.1: 5 of 1,613,776 alleles (0.00031%); highest among the groups gnomAD compares: Admixed American, 0.0017%; no homozygotes.

Submission:

Institute of Human Genetics, University of Leipzig Medical Center
Classification: Uncertain significance for Neurodevelopmental disorder with microcephaly, cerebral atrophy, and visual impairment. Last evaluated: 2023-01-11. Review status: criteria provided, single submitter. Criteria: ACMG Guidelines, 2015. Collection method: clinical testing. Allele origin: maternal. Affected: yes.
Comment: _x000D_This variant was identified as compound heterozygous with NM_001145165.2:c.446C>G Criteria applied: PM2_SUP, PB4

NM_001145165.2(DOHH):c.224T>G (p.Val75Gly)

Gene: DOHH (deoxyhypusine hydroxylase; minus strand). Cytogenetic location: 19p13.3.
Variant type: single nucleotide variant.
Coding change: c.224T>G on transcript NM_001145165.2 (MANE Select); coding-DNA position 224, T replaced by G.
Protein change: p.Val75Gly; replaces valine 75 with glycine.
Molecular consequence: missense variant.
Genome position (GRCh38, 1-based): chr19:3,496,591, A>C on the plus strand (T>G on the coding strand, the complement: DOHH is on the minus strand). VCF-style: chr19-3496591-A-C. GRCh37 (hg19) VCF-style: chr19-3496589-A-C.
Other names: c.224T>G, p.Val75Gly (NM_031304.5); short protein forms V75G.
Identifiers: ClinVar variation 2430264 (VCV002430264.1), dbSNP rs373530009, ClinGen allele CA9077976.